The following is an entry in ClinVar:

NM_001267550.2(TTN):c.39204del (p.Thr13069fs)

Gene: TTN (titin; minus strand). Cytogenetic location: 2q31.2.
Variant type: Deletion.
Coding change: c.39204del on transcript NM_001267550.2 (MANE Select); coding-DNA position 39204, one base deleted (C; older notation c.39204delC).
Protein change: p.Thr13069fs; shifts the reading frame from threonine 13069.
Molecular consequence: frameshift variant. On other transcripts: intron variant (3).
Genome position (GRCh38, 1-based): chr2:178,652,271, G deleted on the plus strand (C on the coding strand, the reverse complement: TTN is on the minus strand); the first of 3 consecutive G bases (chr2:178,652,271-178,652,273); deleting any one gives the same sequence. VCF-style (leftmost placement, unchanged base first): chr2-178652270-TG-T. GRCh37 (hg19) VCF-style: chr2-179516997-TG-T.
Other names: c.39204delC (NM_001267550.2); c.34683del, p.Thr11562fs (NM_001256850.1); c.31902del, p.Thr10635fs (NM_133378.4); c.13283-9954del (NM_003319.4); c.13859-9954del (NM_133437.4); c.13658-9954del (NM_133432.3); short protein forms T10635fs, T11562fs, T13069fs.
Identifiers: ClinVar variation 581977 (VCV000581977.9), dbSNP rs1560106851, ClinGen allele CA891842633.
Genomic context (GRCh38, chr2:178,652,270, plus strand): 5'-GACAAAGTAAAGACAAACAAACAATATCAAACACAGCACCATGAGGGTGTCTACCTTTTG[TG>T]GGTGGCACTTCAGGCTTTTTAGGAGGAGGCACTGGCACTTTCTTTTCAGGAACAACTTCT-3'

ClinVar aggregate classification (germline): Likely pathogenic (1 of 4 stars; one submission).

Conditions:
Autosomal recessive limb-girdle muscular dystrophy type 2J (LGMDR10). Also called: Limb-girdle muscular dystrophy, type 2J; MUSCULAR DYSTROPHY, LIMB-GIRDLE, AUTOSOMAL RECESSIVE 10. Identifiers: Orphanet 140922, MedGen C1837342, MONDO:0012127, OMIM 608807.
Dilated cardiomyopathy 1G (CMD1G). Identifiers: Orphanet 154, MedGen C1858763, MONDO:0011400, OMIM 604145.

Submission:

Labcorp Genetics (formerly Invitae), Labcorp
Classification: Likely pathogenic for Dilated cardiomyopathy 1G; Autosomal recessive limb-girdle muscular dystrophy type 2J. Last evaluated: 2025-01-07. Review status: criteria provided, single submitter. Criteria: Invitae Variant Classification Sherloc (09022015). Collection method: clinical testing. Allele origin: germline.
Comment: This sequence change creates a premature translational stop signal (p.Thr13069Glnfs*9) in the TTN gene. While this is not anticipated to result in nonsense mediated decay, it is expected to create a truncated TTN protein. This variant is not present in population databases (gnomAD no frequency). This variant has not been reported in the literature in individuals affected with TTN-related conditions. ClinVar contains an entry for this variant (Variation ID: 581977). This variant is located in the I band of TTN (PMID: 25589632). Truncating variants in this region have been reported in individuals affected with autosomal recessive centronuclear myopathy (PMID: 23975875, internal data). Truncating variants in this region have also been identified in individuals affected with autosomal dominant dilated cardiomyopathy and/or cardio-related conditions (PMID: 27869827, 32964742, internal data). In summary, the currently available evidence indicates that the variant is pathogenic, but additional data are needed to prove that conclusively. Therefore, this variant has been classified as Likely Pathogenic.

Literature cited by the submitters: PubMed 25589632; PubMed 23975875; PubMed 27869827; PubMed 32964742.